The following is an entry in ClinVar:

ClinVar aggregate classification (germline): Uncertain significance. Review status: criteria provided, multiple submitters, no conflicts (2 of 4 stars). 2 submissions from 2 submitters: Uncertain significance (2). Last evaluated 2025-11-19.

gnomAD v4.1: 17 of 1,613,636 alleles (0.0011%); highest among the groups gnomAD compares: East Asian, 0.0045%; no homozygotes.

Submissions (2):

Ambry Genetics
Classification: Uncertain significance. Last evaluated: 2025-11-19. Review status: criteria provided, single submitter. Criteria: Ambry Variant Classification Scheme 2023. Collection method: clinical testing. Allele origin: germline.

Labcorp Genetics (formerly Invitae), Labcorp
Classification: Uncertain significance. Last evaluated: 2023-10-05. Review status: criteria provided, single submitter. Criteria: Invitae Variant Classification Sherloc (09022015). Collection method: clinical testing. Allele origin: germline.
Comment: This sequence change replaces arginine, which is basic and polar, with leucine, which is neutral and non-polar, at codon 108 of the RPL27 protein (p.Arg108Leu). This variant is present in population databases (rs533615868, gnomAD 0.0009%). This variant has not been reported in the literature in individuals affected with RPL27-related conditions. An algorithm developed to predict the effect of missense changes on protein structure and function (PolyPhen-2) suggests that this variant is likely to be tolerated. In summary, the available evidence is currently insufficient to determine the role of this variant in disease. Therefore, it has been classified as a Variant of Uncertain Significance.

NM_000988.5(RPL27):c.323G>T (p.Arg108Leu)

Gene: RPL27 (ribosomal protein L27; plus strand). Cytogenetic location: 17q21.31.
Variant type: single nucleotide variant.
Coding change: c.323G>T on transcript NM_000988.5 (MANE Select); coding-DNA position 323, G replaced by T.
Protein change: p.Arg108Leu; replaces arginine 108 with leucine.
Molecular consequence: missense variant. On other transcripts: non-coding transcript variant (1).
Genome position (GRCh38, 1-based): chr17:43,002,744, G>T. VCF-style: chr17-43002744-G-T. GRCh37 (hg19) VCF-style: chr17-41154761-G-T.
Other names: c.323G>T, p.Arg108Leu (NM_001349921.2, NM_001349922.2); c.323G>T (NM_000988.3); short protein forms R108L.
Identifiers: ClinVar variation 2799805 (VCV002799805.4), dbSNP rs533615868, ClinGen allele CA8588988.